The following is an entry in ClinVar:

ClinVar aggregate classification (germline): Uncertain significance (1 of 4 stars; one submission).

Conditions:
Arrhythmogenic right ventricular dysplasia 5. Also called: ARRHYTHMOGENIC RIGHT VENTRICULAR DYSPLASIA, FAMILIAL, 5; Arrhythmogenic Right Ventricular Dysplasia/Cardiomyopathy 5. Identifiers: MedGen C1858379, MONDO:0011459, OMIM 604400.

Allele frequency attached by ClinVar (database versions not stated): gnomAD exomes below 0.00001.
gnomAD v4.1: 1 of 1,614,212 alleles (0.000062%); highest among the groups gnomAD compares: Non-Finnish European, 0.000085%; no homozygotes.

Submission:

Labcorp Genetics (formerly Invitae), Labcorp
Classification: Uncertain significance for Arrhythmogenic right ventricular dysplasia 5. Last evaluated: 2022-03-18. Review status: criteria provided, single submitter. Criteria: Invitae Variant Classification Sherloc (09022015). Collection method: clinical testing. Allele origin: germline.
Comment: Algorithms developed to predict the effect of sequence changes on RNA splicing suggest that this variant may disrupt the consensus splice site. Algorithms developed to predict the effect of missense changes on protein structure and function (SIFT, PolyPhen-2, Align-GVGD) all suggest that this variant is likely to be tolerated. This variant has not been reported in the literature in individuals affected with TMEM43-related conditions. This variant is not present in population databases (gnomAD no frequency). This sequence change replaces lysine, which is basic and polar, with asparagine, which is neutral and polar, at codon 232 of the TMEM43 protein (p.Lys232Asn). In summary, the available evidence is currently insufficient to determine the role of this variant in disease. Therefore, it has been classified as a Variant of Uncertain Significance.

NM_024334.3(TMEM43):c.696G>C (p.Lys232Asn)

Gene: TMEM43 (transmembrane protein 43; plus strand). Cytogenetic location: 3p25.1.
Variant type: single nucleotide variant.
Coding change: c.696G>C on transcript NM_024334.3 (MANE Select); coding-DNA position 696, G replaced by C.
Protein change: p.Lys232Asn; replaces lysine 232 with asparagine.
Molecular consequence: missense variant.
Genome position (GRCh38, 1-based): chr3:14,134,882, G>C. VCF-style: chr3-14134882-G-C. GRCh37 (hg19) VCF-style: chr3-14176382-G-C.
Other names: c.699G>C, p.Lys233Asn (NM_001407274.1); c.696G>C, p.Lys232Asn (NM_001407275.1, NM_001407276.1, NM_001407277.1 and 1 more transcripts); c.681G>C, p.Lys227Asn (NM_001407278.1); c.546G>C, p.Lys182Asn (NM_001407280.1); short protein forms K227N, K232N, K233N, K182N.
Identifiers: ClinVar variation 1968671 (VCV001968671.5), dbSNP rs2470188164, ClinGen allele CA351535666.
Genomic context (GRCh38, chr3:14,134,882, plus strand): 5'-GGACCCTCATGTGGACATCATTCGCCGTGGAGACTTTTTCTACCACAGCGAAAATCCCAA[G>C]TATCCAGAGGTGTGCGGAGAGGCCTGGGCTCTCCAAATAGGAGGGTCAGGGCGCTAGGAT-3'
Protein context (NP_077310.1, residues 222-242): GDFFYHSENP[Lys232Asn]YPEVGDLRVS